The following is an entry in ClinVar:

ClinVar aggregate classification (germline): Uncertain significance. Review status: criteria provided, multiple submitters, no conflicts (2 of 4 stars). 5 submissions from 5 submitters: Uncertain significance (5). Last evaluated 2023-03-30.

Conditions:
Glycogen storage disease, type II (IOPD). Also called: GLYCOGENOSIS, GENERALIZED, CARDIAC FORM; GSD II; Glucosidase acid-1,4-alpha deficiency; POMPE DISEASE, INFANTILE-ONSET; GLYCOGEN STORAGE DISEASE II, INFANTILE-ONSET; ACID ALPHA-GLUCOSIDASE DEFICIENCY, INFANTILE-ONSET. Identifiers: Orphanet 365, MedGen C0017921, MONDO:0009290, OMIM 232300.

Allele frequency attached by ClinVar (database versions not stated): gnomAD 0.00001; gnomAD exomes 0.00001 and 0.00003; TOPMed 0.00001; ExAC 0.00004.

Submissions (5):

Molecular Genetics, Royal Melbourne Hospital
Classification: Uncertain significance for Glycogen storage disease, type II. Last evaluated: 2023-03-30. Review status: criteria provided, single submitter. Criteria: ACMG Guidelines, 2015. Collection method: clinical testing. Allele origin: germline.
Comment: This sequence change in GAA is predicted to replace serine with arginine at codon 265, p.(Ser265Arg). The serine residue is weakly conserved (100 vertebrates, UCSC), and is not located in an annotated functional domain. There is a large physicochemical difference between serine and arginine. The highest population minor allele frequency in gnomAD v2.1 is 0.003% (3/113,280 alleles) in the European (non-Finnish) population, which is consistent with recessive disease. To our knowledge, this variant has not been reported in the literature in any individuals with GAA-related disease. Multiple lines of computational evidence have conflicting predictions for the missense substitution (4/6 algorithms predict benign). Based on the classification scheme RMH Modified ACMG Guidelines v1.5.1, this variant is classified as a VARIANT OF UNCERTAIN SIGNIFICANCE. Following criteria are met: PM2_Supporting.

Labcorp Genetics (formerly Invitae), Labcorp
Classification: Uncertain significance for Glycogen storage disease, type II. Last evaluated: 2022-06-24. Review status: criteria provided, single submitter. Criteria: Invitae Variant Classification Sherloc (09022015). Collection method: clinical testing. Allele origin: germline.
Comment: This sequence change replaces serine, which is neutral and polar, with arginine, which is basic and polar, at codon 265 of the GAA protein (p.Ser265Arg). This variant is present in population databases (rs779785396, gnomAD 0.003%). This variant has not been reported in the literature in individuals affected with GAA-related conditions. Advanced modeling of protein sequence and biophysical properties (such as structural, functional, and spatial information, amino acid conservation, physicochemical variation, residue mobility, and thermodynamic stability) performed at Invitae indicates that this missense variant is not expected to disrupt GAA protein function. In summary, the available evidence is currently insufficient to determine the role of this variant in disease. Therefore, it has been classified as a Variant of Uncertain Significance.

Department of Pathology and Laboratory Medicine, Sinai Health System
Classification: Uncertain significance for Glycogen storage disease, type II. Last evaluated: 2022-03-28. Review status: criteria provided, single submitter. Criteria: ACMG Guidelines, 2015. Collection method: research. Allele origin: germline.

Mayo Clinic Laboratories, Mayo Clinic
Classification: Uncertain significance. Last evaluated: 2021-12-14. Review status: criteria provided, single submitter. Criteria: ACMG Guidelines, 2015. Collection method: clinical testing. Allele origin: germline.

Revvity Omics, Revvity
Classification: Uncertain significance. Last evaluated: 2020-02-12. Review status: criteria provided, single submitter. Criteria: ACMG Guidelines, 2015. Collection method: clinical testing. Allele origin: germline.

NM_000152.5(GAA):c.795T>A (p.Ser265Arg)

Gene: GAA (alpha glucosidase; plus strand). Cytogenetic location: 17q25.3.
Variant type: single nucleotide variant.
Coding change: c.795T>A on transcript NM_000152.5 (MANE Select); coding-DNA position 795, T replaced by A.
Protein change: p.Ser265Arg; replaces serine 265 with arginine.
Molecular consequence: missense variant.
Genome position (GRCh38, 1-based): chr17:80,107,659, T>A. VCF-style: chr17-80107659-T-A. GRCh37 (hg19) VCF-style: chr17-78081458-T-A.
Other names: p.Ser265Arg; c.795T>A, p.Ser265Arg (NM_001079803.3, NM_001079804.3); c.795T>A (NM_000152.3); short protein forms S265R.
Identifiers: ClinVar variation 1693710 (VCV001693710.11), dbSNP rs779785396, ClinGen allele CA8815020.